The following is an entry in ClinVar:

ClinVar aggregate classification (germline): Uncertain significance. Review status: criteria provided, multiple submitters, no conflicts (2 of 4 stars). 2 submissions from 2 submitters: Uncertain significance (2). Last evaluated 2025-08-11.

Conditions:
Hereditary cancer-predisposing syndrome. Also called: Neoplastic Syndromes, Hereditary; Tumor predisposition; Hereditary Cancer Syndrome; Hereditary neoplastic syndrome. Identifiers: Orphanet 140162, MedGen C0027672, MeSH D009386, MONDO:0015356.
Familial cancer of breast. Also called: BREAST CANCER, FAMILIAL; Hereditary breast cancer; hereditary breast carcinoma. Identifiers: Orphanet 227535, MedGen C0346153, MONDO:0016419, OMIM 114480. Disease mechanism: loss of function.

Submissions (2):

Ambry Genetics
Classification: Uncertain significance for Hereditary cancer-predisposing syndrome. Last evaluated: 2025-08-11. Review status: criteria provided, single submitter. Criteria: Ambry Variant Classification Scheme 2023. Collection method: clinical testing. Allele origin: germline.
Comment: The p.A758T variant (also known as c.2272G>A), located in coding exon 11 of the BARD1 gene, results from a G to A substitution at nucleotide position 2272. The alanine at codon 758 is replaced by threonine, an amino acid with similar properties. This amino acid position is highly conserved in available vertebrate species. In addition, the in silico prediction for this alteration is inconclusive. Since supporting evidence is limited at this time, the clinical significance of this alteration remains unclear.

Labcorp Genetics (formerly Invitae), Labcorp
Classification: Uncertain significance for Familial cancer of breast. Last evaluated: 2023-02-08. Review status: criteria provided, single submitter. Criteria: Invitae Variant Classification Sherloc (09022015). Collection method: clinical testing. Allele origin: germline.
Comment: In summary, the available evidence is currently insufficient to determine the role of this variant in disease. Therefore, it has been classified as a Variant of Uncertain Significance. Algorithms developed to predict the effect of missense changes on protein structure and function (SIFT, PolyPhen-2, Align-GVGD) all suggest that this variant is likely to be disruptive. ClinVar contains an entry for this variant (Variation ID: 820999). This variant has not been reported in the literature in individuals affected with BARD1-related conditions. This variant is not present in population databases (gnomAD no frequency). This sequence change replaces alanine, which is neutral and non-polar, with threonine, which is neutral and polar, at codon 758 of the BARD1 protein (p.Ala758Thr).

NM_000465.4(BARD1):c.2272G>A (p.Ala758Thr)

Gene: BARD1 (BRCA1 associated RING domain 1; minus strand). Cytogenetic location: 2q35.
Variant type: single nucleotide variant.
Coding change: c.2272G>A on transcript NM_000465.4 (MANE Select); coding-DNA position 2272, G replaced by A.
Protein change: p.Ala758Thr; replaces alanine 758 with threonine.
Molecular consequence: missense variant. On other transcripts: non-coding transcript variant (3).
Genome position (GRCh38, 1-based): chr2:214,728,738, C>T on the plus strand (G>A on the coding strand, the complement: BARD1 is on the minus strand). VCF-style: chr2-214728738-C-T. GRCh37 (hg19) VCF-style: chr2-215593462-C-T.
Other names: c.2215G>A, p.Ala739Thr (NM_001282543.2); c.919G>A, p.Ala307Thr (NM_001282545.2); c.862G>A, p.Ala288Thr (NM_001282548.2); c.733G>A, p.Ala245Thr (NM_001282549.2); short protein forms A288T, A307T, A245T, A758T, A739T.
Identifiers: ClinVar variation 820999 (VCV000820999.11), dbSNP rs863224672, ClinGen allele CA350449946.